The following is an entry in ClinVar:

ClinVar aggregate classification (germline): Uncertain significance (1 of 4 stars; one submission).

Conditions:
Familial thoracic aortic aneurysm and aortic dissection (TAAD). Also called: Thoracic aortic aneurysms and dissections. Identifiers: Orphanet 91387, MedGen C4707243, MONDO:0019625.

Submission:

Ambry Genetics
Classification: Uncertain significance for Familial thoracic aortic aneurysm and aortic dissection. Last evaluated: 2024-05-04. Review status: criteria provided, single submitter. Criteria: Ambry Variant Classification Scheme 2023. Collection method: clinical testing. Allele origin: germline.
Comment: The p.K271R variant (also known as c.812A>G), located in coding exon 7 of the CBS gene, results from an A to G substitution at nucleotide position 812. The lysine at codon 271 is replaced by arginine, an amino acid with highly similar properties. This amino acid position is conserved. In addition, the in silico prediction for this alteration is inconclusive. Based on the available evidence, the clinical significance of this variant remains unclear.

NM_000071.3(CBS):c.812A>G (p.Lys271Arg)

Gene: CBS (cystathionine beta-synthase; minus strand). Cytogenetic location: 21q22.3.
Variant type: single nucleotide variant.
Coding change: c.812A>G on transcript NM_000071.3 (MANE Select); coding-DNA position 812, A replaced by G.
Protein change: p.Lys271Arg; replaces lysine 271 with arginine.
Molecular consequence: missense variant.
Genome position (GRCh38, 1-based): chr21:43,063,916, T>C on the plus strand (A>G on the coding strand, the complement: CBS is on the minus strand). VCF-style: chr21-43063916-T-C. GRCh37 (hg19) VCF-style: chr21-44484026-T-C.
Other names: c.812A>G, p.Lys271Arg (NM_001178008.3, NM_001178009.3, NM_001320298.2); c.497A>G, p.Lys166Arg (NM_001321072.1); short protein forms K271R, K166R.
Identifiers: ClinVar variation 3263663 (VCV003263663.1).